The following is an entry in ClinVar:

NM_014000.3(VCL):c.2788G>A (p.Glu930Lys)

Gene: VCL (vinculin; plus strand). Cytogenetic location: 10q22.2.
Variant type: single nucleotide variant.
Coding change: c.2788G>A on transcript NM_014000.3 (MANE Select); coding-DNA position 2788, G replaced by A.
Protein change: p.Glu930Lys; replaces glutamic acid 930 with lysine.
Molecular consequence: missense variant. On other transcripts: intron variant (1).
Genome position (GRCh38, 1-based): chr10:74,111,951, G>A. VCF-style: chr10-74111951-G-A. GRCh37 (hg19) VCF-style: chr10-75871709-G-A.
Other names: c.2746-2233G>A (NM_003373.4); short protein forms E930K.
Identifiers: ClinVar variation 1796002 (VCV001796002.2), dbSNP rs2549235870, ClinGen allele CA377264600.

ClinVar aggregate classification (germline): Uncertain significance (1 of 4 stars; one submission).

Conditions:
Cardiovascular phenotype. Identifiers: MedGen CN230736.

Allele frequency attached by ClinVar (database versions not stated): gnomAD exomes 0.00001.
gnomAD v4.1: 5 of 1,614,232 alleles (0.00031%); highest among the groups gnomAD compares: Non-Finnish European, 0.00042%; no homozygotes.

Submission:

Ambry Genetics
Classification: Uncertain significance for Cardiovascular phenotype. Last evaluated: 2021-12-23. Review status: criteria provided, single submitter. Criteria: Ambry Variant Classification Scheme 2023. Collection method: clinical testing. Allele origin: germline.
Comment: The p.E930K variant (also known as c.2788G>A), located in coding exon 19 of the VCL gene, results from a G to A substitution at nucleotide position 2788. The glutamic acid at codon 930 is replaced by lysine, an amino acid with similar properties. This amino acid position is conserved. In addition, the in silico prediction for this alteration is inconclusive. Since supporting evidence is limited at this time, the clinical significance of this alteration remains unclear.